The following is an entry in ClinVar:

NM_001134831.2(AHI1):c.1173C>T (p.Tyr391=)

Gene: AHI1 (Abelson helper integration site 1; minus strand). Cytogenetic location: 6q23.3.
Variant type: single nucleotide variant.
Coding change: c.1173C>T on transcript NM_001134831.2 (MANE Select); coding-DNA position 1173, C replaced by T.
Protein change: p.Tyr391=; no amino-acid change (tyrosine 391 retained).
Molecular consequence: synonymous variant.
Genome position (GRCh38, 1-based): chr6:135,455,905, G>A on the plus strand (C>T on the coding strand, the complement: AHI1 is on the minus strand). VCF-style: chr6-135455905-G-A. GRCh37 (hg19) VCF-style: chr6-135777043-G-A.
Other names: c.1173C>T (NM_017651.4); c.1173C>T, p.Tyr391= (NM_001134830.2, NM_001134832.2, NM_001350503.2 and 2 more transcripts).
Identifiers: ClinVar variation 1088732 (VCV001088732.8), dbSNP rs374015573, ClinGen allele CA4012640.

ClinVar aggregate classification (germline): Likely benign. Review status: criteria provided, multiple submitters, no conflicts (2 of 4 stars). 2 submissions from 2 submitters: Likely benign (2). Last evaluated 2026-03-04.

Conditions:
AHI1-related disorder. Also called: AHI1-related condition.
Joubert syndrome. Also called: JOUBERT-BOLTSHAUSER SYNDROME; Familial aplasia of the vermis. Identifiers: Orphanet 475, MedGen C5979921, MONDO:0018772.

Allele frequency attached by ClinVar (database versions not stated): gnomAD exomes 0.00001; ESP Exome Variant Server 0.00008; ExAC 0.00010; gnomAD 0.00010 and 0.00011; 1000 Genomes Project 30x 0.00016; TOPMed 0.00017; 1000 Genomes Project 0.00020.
gnomAD v4.1: 24 of 1,509,030 alleles (0.0016%); highest among the groups gnomAD compares: African/African-American, 0.03%; no homozygotes.

Submissions (2):

PreventionGenetics, part of Exact Sciences
Classification: Likely benign for AHI1-related condition. Last evaluated: 2026-03-04. Review status: criteria provided, single submitter. Criteria: ACMG Guidelines, 2015. Collection method: clinical testing. Allele origin: germline.
Comment: This variant is classified as likely benign based on ACMG/AMP sequence variant interpretation guidelines (Richards et al. 2015 PMID: 25741868, with internal and published modifications).

Labcorp Genetics (formerly Invitae), Labcorp
Classification: Likely benign for Joubert syndrome. Last evaluated: 2024-07-30. Review status: criteria provided, single submitter. Criteria: Invitae Variant Classification Sherloc (09022015). Collection method: clinical testing. Allele origin: germline.